The following is an entry in ClinVar:

NM_000540.3(RYR1):c.14761TTC[6] (p.Phe4924_Val4925insPhePhe)

Gene: RYR1 (ryanodine receptor 1; plus strand). Cytogenetic location: 19q13.2.
Variant type: Microsatellite.
Coding change: c.14761TTC[6] on transcript NM_000540.3 (MANE Select); six copies in a row of the 3-base unit TTC starting at c.14761; the reference has four copies in a row; two copies, 6 bases duplicated.
Protein change: p.Phe4924_Val4925insPhePhe.
Molecular consequence: inframe insertion.
Genome position (GRCh38, 1-based): chr19:38,585,063-38,585,068, TTCTTC duplicated; duplicating any 6 consecutive bases within chr19:38,585,056-38,585,068 gives the same sequence; the position shown is the placement nearest the transcript's 3' end. VCF-style (leftmost placement, unchanged base first): chr19-38585055-C-CCTTCTT. GRCh37 (hg19) VCF-style: chr19-39075695-C-CCTTCTT.
Other names: c.14746TTC[6], p.Phe4919_Val4920insPhePhe (NM_001042723.2).
Identifiers: ClinVar variation 2419878 (VCV002419878.6), dbSNP rs1064794572, ClinGen allele CA2580614898.

ClinVar aggregate classification (germline): Uncertain significance (1 of 4 stars; one submission).

Conditions:
RYR1-related disorder. Also called: RYR1-related condition; RYR1-related disorders. Identifiers: MedGen CN239331.

Submission:

Labcorp Genetics (formerly Invitae), Labcorp
Classification: Uncertain significance for RYR1-related disorder. Last evaluated: 2022-07-15. Review status: criteria provided, single submitter. Criteria: Invitae Variant Classification Sherloc (09022015). Collection method: clinical testing. Allele origin: germline.
Comment: In summary, the available evidence is currently insufficient to determine the role of this variant in disease. Therefore, it has been classified as a Variant of Uncertain Significance. This variant has not been reported in the literature in individuals affected with RYR1-related conditions. This variant is not present in population databases (gnomAD no frequency). This variant, c.14767_14772dup, results in the insertion of 2 amino acid(s) of the RYR1 protein (p.Phe4923_Phe4924dup), but otherwise preserves the integrity of the reading frame.